The following is an entry in ClinVar:

ClinVar aggregate classification (germline): Likely benign. Review status: criteria provided, single submitter (1 of 4 stars). 2 submissions from 2 submitters: Likely benign (1). 1 of the submissions does not count toward it. Last evaluated 2023-10-06.

Conditions:
TSHB-related disorder. Also called: TSHB-related condition.

Allele frequency attached by ClinVar (database versions not stated): ExAC 0.00002; gnomAD 0.00004; TOPMed 0.00006; ESP Exome Variant Server 0.00008; gnomAD exomes 0.00009.

Submissions (2):

Labcorp Genetics (formerly Invitae), Labcorp
Classification: Likely benign. Last evaluated: 2023-10-06. Review status: criteria provided, single submitter. Criteria: Invitae Variant Classification Sherloc (09022015). Collection method: clinical testing. Allele origin: germline.

PreventionGenetics, part of Exact Sciences
Classification: Likely benign for TSHB-related condition. Last evaluated: 2019-05-23. Review status: no assertion criteria provided. Collection method: clinical testing. Allele origin: germline. Not counted in ClinVar's aggregate classification.
Comment: This variant is classified as likely benign based on ACMG/AMP sequence variant interpretation guidelines (Richards et al. 2015 PMID: 25741868, with internal and published modifications).

NM_000549.5(TSHB):c.414C>G (p.Val138=)

Gene: TSHB (thyroid stimulating hormone subunit beta; plus strand). Cytogenetic location: 1p13.2.
Variant type: single nucleotide variant.
Coding change: c.414C>G on transcript NM_000549.5 (MANE Select); coding-DNA position 414, C replaced by G.
Protein change: p.Val138=; no amino-acid change (valine 138 retained).
Molecular consequence: synonymous variant.
Genome position (GRCh38, 1-based): chr1:115,034,224, C>G. VCF-style: chr1-115034224-C-G. GRCh37 (hg19) VCF-style: chr1-115576845-C-G.
Other names: c.279C>G, p.Val93= (NM_001277991.1); c.414C>G (NM_000549.4).
Identifiers: ClinVar variation 2907808 (VCV002907808.5), dbSNP rs374053989, ClinGen allele CA1022594.